The following is an entry in ClinVar:

NM_182925.5(FLT4):c.2457C>G (p.Pro819=)

Genes: FLT4 (fms related receptor tyrosine kinase 4; minus strand), LOC126807632 (CDK7 strongly-dependent group 2 enhancer GRCh37_chr5:180046831-180048030; plus strand). Cytogenetic location: 5q35.3.
Variant type: single nucleotide variant.
Coding change: c.2457C>G on transcript NM_182925.5 (MANE Select); coding-DNA position 2457, C replaced by G.
Protein change: p.Pro819=; no amino-acid change (proline 819 retained).
Molecular consequence: synonymous variant.
Genome position (GRCh38, 1-based): chr5:180,620,258, G>C on the plus strand (C>G on the coding strand, the complement: FLT4 is on the minus strand). VCF-style: chr5-180620258-G-C. GRCh37 (hg19) VCF-style: chr5-180047258-G-C.
Other names: c.2457C>G, p.Pro819= (NM_001354989.2, NM_002020.5).
Identifiers: ClinVar variation 3056357 (VCV003056357.2), dbSNP rs1341497541, ClinGen allele CA448383703.

ClinVar aggregate classification (germline): Likely benign (0 of 4 stars; one submission).

Conditions:
FLT4-related disorder. Also called: FLT4-related condition.

gnomAD v4.1: 21 of 1,611,858 alleles (0.0013%); highest among the groups gnomAD compares: Non-Finnish European, 0.0017%; no homozygotes.

Submission:

PreventionGenetics, part of Exact Sciences
Classification: Likely benign for FLT4-related condition. Last evaluated: 2021-10-08. Review status: no assertion criteria provided. Collection method: clinical testing. Allele origin: germline.
Comment: This variant is classified as likely benign based on ACMG/AMP sequence variant interpretation guidelines (Richards et al. 2015 PMID: 25741868, with internal and published modifications).